The following is an entry in ClinVar:

ClinVar aggregate classification (germline): Conflicting classifications of pathogenicity. Review status: criteria provided, conflicting classifications (1 of 4 stars). 5 submissions from 5 submitters: Uncertain significance (1); Likely benign (4). Last evaluated 2024-03-05.

Conditions:
Cardiovascular phenotype. Identifiers: MedGen CN230736.
Arrhythmogenic right ventricular cardiomyopathy (ARVD). Also called: Arrhythmogenic cardiomyopathy; Cardiomyopathy, ARVC; Arrhythmogenic right ventricular dysplasia; Arrhythmogenic Right Ventricular Cardiomyopathy (ARVC). Identifiers: Orphanet 247, MedGen C0349788, MeSH D019571, MONDO:0016587. Disease mechanism: loss of function. Inheritance: Various modes of inheritance.
Cardiomyopathy (CMYO). Also called: Cardiomyopathies. Identifiers: Orphanet 167848, MedGen C0878544, MONDO:0004994, HP:0001638. Inheritance: Various modes of inheritance.
Arrhythmogenic right ventricular dysplasia 10. Also called: Arrhythmogenic Right Ventricular Dysplasia/Cardiomyopathy10; ARRHYTHMOGENIC RIGHT VENTRICULAR DYSPLASIA, FAMILIAL, 10; Arrhythmogenic right ventricular dysplasia/cardiomyopathy, type 10. Identifiers: MedGen C1857777, MONDO:0012434, OMIM 610193.

Allele frequency attached by ClinVar (database versions not stated): gnomAD exomes 0.00001.
gnomAD v4.1: 18 of 1,613,914 alleles (0.0011%); highest among the groups gnomAD compares: East Asian, 0.04%; no homozygotes.

Submissions (5):

All of Us Research Program, National Institutes of Health
Classification: Likely benign for Arrhythmogenic right ventricular cardiomyopathy. Last evaluated: 2024-03-05. Review status: criteria provided, single submitter. Criteria: ACMG Guidelines, 2015. Collection method: clinical testing. Allele origin: germline. Inheritance: Autosomal dominant inheritance. Observed: 1 variant allele, 1 heterozygote.
Comment: This study involves interpretation of variants in research participants for the purpose of population health screening. Participant phenotype was not available at the time of variant classification. Additional details can be found in publication PMID: 35346344, PMCID: PMC8962531

Labcorp Genetics (formerly Invitae), Labcorp
Classification: Likely benign for Arrhythmogenic right ventricular dysplasia 10. Last evaluated: 2022-09-23. Review status: criteria provided, single submitter. Criteria: Invitae Variant Classification Sherloc (09022015). Collection method: clinical testing. Allele origin: germline.

Ambry Genetics
Classification: Likely benign for Cardiovascular phenotype. Last evaluated: 2021-06-26. Review status: criteria provided, single submitter. Criteria: Ambry Variant Classification Scheme 2023. Collection method: clinical testing. Allele origin: germline.

Color Diagnostics, LLC DBA Color Health
Classification: Likely benign for Cardiomyopathy. Last evaluated: 2018-12-03. Review status: criteria provided, single submitter. Criteria: ACMG Guidelines, 2015. Collection method: clinical testing. Allele origin: germline.

Illumina Laboratory Services, Illumina
Classification: Uncertain significance for Arrhythmogenic right ventricular dysplasia 10. Last evaluated: 2018-01-15. Review status: criteria provided, single submitter. Criteria: ICSL Variant Classification Criteria 13 December 2019. Collection method: clinical testing. Allele origin: germline.

NM_001943.5(DSG2):c.447T>C (p.Val149=)

Gene: DSG2 (desmoglein 2; plus strand). Cytogenetic location: 18q12.1.
Variant type: single nucleotide variant.
Coding change: c.447T>C on transcript NM_001943.5 (MANE Select); coding-DNA position 447, T replaced by C.
Protein change: p.Val149=; no amino-acid change (valine 149 retained).
Molecular consequence: synonymous variant.
Genome position (GRCh38, 1-based): chr18:31,521,167, T>C. VCF-style: chr18-31521167-T-C. GRCh37 (hg19) VCF-style: chr18-29101130-T-C.
Identifiers: ClinVar variation 889472 (VCV000889472.13), dbSNP rs1389484271, ClinGen allele CA503597242.
Genomic context (GRCh38, chr18:31,521,167, plus strand): 5'-TTACGCTTTGGATGCAAGAGGAAACAATGTAGAGAAACCCTTAGAGCTACGCATTAAGGT[T>C]CTTGATATCAATGACAACGAACCAGTGTTCACACAGGATGTCTTTGTTGGGTCTGTTGAA-3'
Protein context (NP_001934.2, residues 139-159): VEKPLELRIK[Val149=]LDINDNEPVF